The following is an entry in ClinVar:

NM_017763.6(RNF43):c.341G>A (p.Arg114Gln)

Gene: RNF43 (ring finger protein 43; minus strand). Cytogenetic location: 17q22.
Variant type: single nucleotide variant.
Coding change: c.341G>A on transcript NM_017763.6 (MANE Select); coding-DNA position 341, G replaced by A.
Protein change: p.Arg114Gln; replaces arginine 114 with glutamine.
Molecular consequence: missense variant.
Genome position (GRCh38, 1-based): chr17:58,370,945, C>T on the plus strand (G>A on the coding strand, the complement: RNF43 is on the minus strand). VCF-style: chr17-58370945-C-T. GRCh37 (hg19) VCF-style: chr17-56448306-C-T.
Other names: c.341G>A, p.Arg114Gln (NM_001305544.3); c.-41G>A (NM_001305545.2); short protein forms R114Q.
Identifiers: ClinVar variation 3368787 (VCV003368787.3).

ClinVar aggregate classification (germline): Uncertain significance. Review status: criteria provided, multiple submitters, no conflicts (2 of 4 stars). 3 submissions from 3 submitters: Uncertain significance (3). Last evaluated 2025-09-24.

gnomAD v4.1: 12 of 1,608,692 alleles (0.00075%); highest among the groups gnomAD compares: African/African-American, 0.0067%; no homozygotes.

Submissions (3):

Labcorp Genetics (formerly Invitae), Labcorp
Classification: Uncertain significance. Last evaluated: 2025-09-24. Review status: criteria provided, single submitter. Criteria: Invitae Variant Classification Sherloc (09022015). Collection method: clinical testing. Allele origin: germline.
Comment: This sequence change replaces arginine, which is basic and polar, with glutamine, which is neutral and polar, at codon 114 of the RNF43 protein (p.Arg114Gln). This variant is present in population databases (no rsID available, gnomAD 0.02%). This variant has not been reported in the literature in individuals affected with RNF43-related conditions. ClinVar contains an entry for this variant (Variation ID: 3368787). An algorithm developed to predict the effect of missense changes on protein structure and function (PolyPhen-2) suggests that this variant is likely to be tolerated. In summary, the available evidence is currently insufficient to determine the role of this variant in disease. Therefore, it has been classified as a Variant of Uncertain Significance.

Ambry Genetics
Classification: Uncertain significance. Last evaluated: 2025-04-11. Review status: criteria provided, single submitter. Criteria: Ambry Variant Classification Scheme 2023. Collection method: clinical testing. Allele origin: germline.
Comment: The p.R114Q variant (also known as c.341G>A), located in coding exon 2 of the RNF43 gene, results from a G to A substitution at nucleotide position 341. The arginine at codon 114 is replaced by glutamine, an amino acid with highly similar properties. This amino acid position is conserved. In addition, this alteration is predicted to be tolerated by in silico analysis. Based on the available evidence, the clinical significance of this variant remains unclear.

GeneDx
Classification: Uncertain significance. Last evaluated: 2024-02-02. Review status: criteria provided, single submitter. Criteria: GeneDx Variant Classification Process June 2021. Collection method: clinical testing. Allele origin: germline. Affected: yes.
Comment: Not observed at significant frequency in large population cohorts (gnomAD); In silico analysis supports that this missense variant does not alter protein structure/function; Has not been previously published as pathogenic or benign to our knowledge; Variants in candidate genes are classified as variants of uncertain significance in accordance with ACMG guidelines (PMID: 25741868)